The following is an entry in ClinVar:

NM_016529.6(ATP8A2):c.1035G>T (p.Lys345Asn)

Gene: ATP8A2 (ATPase phospholipid transporting 8A2). Cytogenetic location: 13q12.13.
Variant type: single nucleotide variant.
Coding change: c.1035G>T on transcript NM_016529.6 (MANE Select); coding-DNA position 1035, G replaced by T.
Protein change: p.Lys345Asn; replaces lysine 345 with asparagine.
Molecular consequence: missense variant.
Genome position (GRCh38, 1-based): chr13:25,551,481, G>T. VCF-style: chr13-25551481-G-T. GRCh37 (hg19) VCF-style: chr13-26125619-G-T.
Other names: c.1035G>T (NM_016529.4); c.915G>T, p.Lys305Asn (NM_001313741.1); c.1035G>T, p.Lys345Asn (NM_001411005.1, NM_001411006.1); short protein forms K305N, K345N.
Identifiers: ClinVar variation 1908595 (VCV001908595.6), dbSNP rs376983357, ClinGen allele CA6922772.

ClinVar aggregate classification (germline): Uncertain significance. Review status: criteria provided, multiple submitters, no conflicts (2 of 4 stars). 3 submissions from 3 submitters: Uncertain significance (3). Last evaluated 2024-02-12.

Conditions:
Inborn genetic diseases. Identifiers: MedGen C0950123, MeSH D030342.

Allele frequency attached by ClinVar (database versions not stated): gnomAD exomes 0.00002; ExAC 0.00007; ESP Exome Variant Server 0.00008; gnomAD 0.00020; TOPMed 0.00023.
gnomAD v4.1: 63 of 1,608,558 alleles (0.0039%); highest among the groups gnomAD compares: African/African-American, 0.079%; no homozygotes.

Submissions (3):

Ambry Genetics
Classification: Uncertain significance for Inborn genetic diseases. Last evaluated: 2024-02-12. Review status: criteria provided, single submitter. Criteria: Ambry Variant Classification Scheme 2023. Collection method: clinical testing. Allele origin: germline.

Blueprint Genetics
Classification: Uncertain significance. Last evaluated: 2023-10-21. Review status: criteria provided, single submitter. Criteria: ACMG Guidelines, 2015. Collection method: clinical testing. Allele origin: germline.

Labcorp Genetics (formerly Invitae), Labcorp
Classification: Uncertain significance. Last evaluated: 2022-08-09. Review status: criteria provided, single submitter. Criteria: Invitae Variant Classification Sherloc (09022015). Collection method: clinical testing. Allele origin: germline.
Comment: This variant is present in population databases (rs376983357, gnomAD 0.09%). This sequence change replaces lysine, which is basic and polar, with asparagine, which is neutral and polar, at codon 345 of the ATP8A2 protein (p.Lys345Asn). In summary, the available evidence is currently insufficient to determine the role of this variant in disease. Therefore, it has been classified as a Variant of Uncertain Significance. Algorithms developed to predict the effect of missense changes on protein structure and function (SIFT, PolyPhen-2, Align-GVGD) all suggest that this variant is likely to be tolerated. This variant has not been reported in the literature in individuals affected with ATP8A2-related conditions.